The following is an entry in ClinVar:

NM_006005.3(WFS1):c.1192G>A (p.Gly398Ser)

Gene: WFS1 (wolframin ER transmembrane glycoprotein; plus strand). Cytogenetic location: 4p16.1.
Variant type: single nucleotide variant.
Coding change: c.1192G>A on transcript NM_006005.3 (MANE Select); coding-DNA position 1192, G replaced by A.
Protein change: p.Gly398Ser; replaces glycine 398 with serine.
Molecular consequence: missense variant.
Genome position (GRCh38, 1-based): chr4:6,300,987, G>A. VCF-style: chr4-6300987-G-A. GRCh37 (hg19) VCF-style: chr4-6302714-G-A.
Other names: p.Gly398Ser; c.1192G>A, p.Gly398Ser (NM_001145853.1); short protein forms G398S.
Identifiers: ClinVar variation 1810364 (VCV001810364.7), dbSNP rs863224269, ClinGen allele CA356174431.

ClinVar aggregate classification (germline): Uncertain significance/Uncertain risk allele. Review status: criteria provided, multiple submitters, no conflicts (2 of 4 stars). 5 submissions from 5 submitters: Uncertain significance (4); Uncertain risk allele (1). Last evaluated 2025-06-26.

Conditions:
WFS1-related disorder. Identifiers: MedGen CN379391, MONDO:0700293.
Wolfram syndrome 1 (WFS1). Identifiers: Orphanet 3463, MedGen C4551693, MONDO:0009101, OMIM 222300.

gnomAD v4.1: 41 of 1,613,934 alleles (0.0025%); highest among the groups gnomAD compares: Middle Eastern, 0.016%; no homozygotes.

Submissions (5):

Mayo Clinic Laboratories, Mayo Clinic
Classification: Uncertain significance. Last evaluated: 2025-06-26. Review status: criteria provided, single submitter. Criteria: ACMG Guidelines, 2015. Collection method: clinical testing. Allele origin: germline. Observed: 1 variant allele.

Labcorp Genetics (formerly Invitae), Labcorp
Classification: Uncertain significance. Last evaluated: 2024-05-23. Review status: criteria provided, single submitter. Criteria: Invitae Variant Classification Sherloc (09022015). Collection method: clinical testing. Allele origin: germline.
Comment: This sequence change replaces glycine, which is neutral and non-polar, with serine, which is neutral and polar, at codon 398 of the WFS1 protein (p.Gly398Ser). This variant is present in population databases (no rsID available, gnomAD 0.006%). This variant has not been reported in the literature in individuals affected with WFS1-related conditions. ClinVar contains an entry for this variant (Variation ID: 1810364). Advanced modeling of protein sequence and biophysical properties (such as structural, functional, and spatial information, amino acid conservation, physicochemical variation, residue mobility, and thermodynamic stability) performed at Invitae indicates that this missense variant is not expected to disrupt WFS1 protein function with a negative predictive value of 95%. In summary, the available evidence is currently insufficient to determine the role of this variant in disease. Therefore, it has been classified as a Variant of Uncertain Significance.

PreventionGenetics, part of Exact Sciences
Classification: Uncertain significance for WFS1-related condition. Last evaluated: 2023-02-20. Review status: criteria provided, single submitter. Criteria: ACMG Guidelines, 2015. Collection method: clinical testing. Allele origin: germline.
Comment: The WFS1 c.1192G>A variant is predicted to result in the amino acid substitution p.Gly398Ser. To our knowledge, this variant has not been reported in the literature. This variant is reported in 0.0054% of alleles in individuals of East Asian descent in gnomAD. At this time, the clinical significance of this variant is uncertain due to the absence of conclusive functional and genetic evidence.

GeneDx
Classification: Uncertain significance. Last evaluated: 2022-11-01. Review status: criteria provided, single submitter. Criteria: GeneDx Variant Classification Process June 2021. Collection method: clinical testing. Allele origin: germline. Affected: yes.
Comment: In silico analysis supports that this missense variant does not alter protein structure/function; Has not been previously published as pathogenic or benign to our knowledge

Clinical Genomics, Uppaluri K&H Personalized Medicine Clinic
Classification: Uncertain risk allele for Wolfram syndrome 1. Review status: criteria provided, single submitter. Criteria: K & H Uppaluri Personalized Medicine Clinic Variant Classification & Assertion Criteria_Updated V.1. Collection method: research. Allele origin: unknown. Inheritance: Autosomal recessive inheritance.
Comment: Potent mutations in WFS1 gene are associated with Wolfram's syndrome, an autosomal recessive condition, which cause diabetes mellitus, diabetes insipidus, deafness and optic atrophy.However no sufficient evidence is found to ascertain the role of this particular variant rs863224269 in Wolfram's syndrome yet.

Literature cited by the submitters: PubMed 20738327 (cited by Clinical Genomics, Uppaluri K&H Personalized Medicine Clinic); PubMed 33879153 (cited by Clinical Genomics, Uppaluri K&H Personalized Medicine Clinic); PubMed 12955714 (cited by Clinical Genomics, Uppaluri K&H Personalized Medicine Clinic); PubMed 18060660 (cited by Clinical Genomics, Uppaluri K&H Personalized Medicine Clinic); PubMed 20301750 (cited by Clinical Genomics, Uppaluri K&H Personalized Medicine Clinic); PubMed 17603484 (cited by Clinical Genomics, Uppaluri K&H Personalized Medicine Clinic).